The following is an entry in ClinVar:

ClinVar aggregate classification (germline): Likely benign. Review status: criteria provided, multiple submitters, no conflicts (2 of 4 stars). 2 submissions from 2 submitters: Likely benign (2). Last evaluated 2026-09-01.

Submissions (2):

CeGaT Center for Human Genetics Tuebingen
Classification: Likely benign. Last evaluated: 2026-09-01. Review status: criteria provided, single submitter. Criteria: CeGaT Center For Human Genetics Tuebingen Variant Classification Criteria Version 2. Collection method: clinical testing. Allele origin: germline. Affected: yes. Observed: 1 variant allele.
Comment: FAAP100: BP4, BP7

Blueprint Genetics
Classification: Likely benign. Last evaluated: 2024-09-13. Review status: criteria provided, single submitter. Criteria: ACMG Guidelines, 2015. Collection method: clinical testing. Allele origin: germline.

NM_025161.6(FAAP100):c.2079C>T (p.Pro693=)

Gene: FAAP100 (FA core complex associated protein 100; minus strand). Cytogenetic location: 17q25.3.
Variant type: single nucleotide variant.
Coding change: c.2079C>T on transcript NM_025161.6 (MANE Select); coding-DNA position 2079, C replaced by T.
Protein change: p.Pro693=; no amino-acid change (proline 693 retained).
Molecular consequence: synonymous variant. On other transcripts: non-coding transcript variant (1).
Genome position (GRCh38, 1-based): chr17:81,547,003, G>A on the plus strand (C>T on the coding strand, the complement: FAAP100 is on the minus strand). VCF-style: chr17-81547003-G-A. GRCh37 (hg19) VCF-style: chr17-79514029-G-A.
Identifiers: ClinVar variation 4937614 (VCV004937614.2).
Genomic context (GRCh38, chr17:81,547,003, plus strand): 5'-CTCCGCCGACACCTTGATGGAAGCCACAGATGGGGGCAGGTACTCGGCCCGCAGGGAGGC[G>A]GGTCCTGCTGGCTGGCTGCCAGGCTCCCGACAAGTTTCCAGAAAAGTGGCCACAGGGTCT-3'
Protein context (NP_079437.5, residues 683-703): CREPGSQPAG[Pro693=]ASLRAEYLPP